The following is an entry in ClinVar:

NM_001288705.3(CSF1R):c.1466A>G (p.Asn489Ser)

Gene: CSF1R (colony stimulating factor 1 receptor; minus strand). Cytogenetic location: 5q32.
Variant type: single nucleotide variant.
Coding change: c.1466A>G on transcript NM_001288705.3 (MANE Select); coding-DNA position 1466, A replaced by G.
Protein change: p.Asn489Ser; replaces asparagine 489 with serine.
Molecular consequence: missense variant. On other transcripts: non-coding transcript variant (2).
Genome position (GRCh38, 1-based): chr5:150,069,917, T>C on the plus strand (A>G on the coding strand, the complement: CSF1R is on the minus strand). VCF-style: chr5-150069917-T-C. GRCh37 (hg19) VCF-style: chr5-149449480-T-C.
Other names: c.1466A>G, p.Asn489Ser (NM_001349736.2, NM_001375320.1, NM_005211.4); c.1022A>G, p.Asn341Ser (NM_001375321.1); short protein forms N341S, N489S.
Identifiers: ClinVar variation 2057482 (VCV002057482.4), dbSNP rs1757958601, ClinGen allele CA361719860.
Genomic context (GRCh38, chr5:150,069,917, plus strand): 5'-GAAGGCTCCCTCTCACCTGCAGAGATGGGTATGAAGGCCCAGGAGCCACTCCCCACGCTG[T>C]TGTGGGCCCTGCACTCGTAGGTTTGGTTGTGCTCTAAGGTCTCAACAGTCAGCAGGCTCT-3'
Protein context (NP_001275634.1, residues 479-499): HNQTYECRAH[Asn489Ser]SVGSGSWAFI

ClinVar aggregate classification (germline): Uncertain significance (1 of 4 stars; one submission).

Allele frequency attached by ClinVar (database versions not stated): gnomAD exomes below 0.00001; TOPMed below 0.00001.
gnomAD v4.1: 1 of 1,613,842 alleles (0.000062%); highest among the groups gnomAD compares: Non-Finnish European, 0.000085%; no homozygotes.

Submission:

Labcorp Genetics (formerly Invitae), Labcorp
Classification: Uncertain significance. Last evaluated: 2022-09-25. Review status: criteria provided, single submitter. Criteria: Invitae Variant Classification Sherloc (09022015). Collection method: clinical testing. Allele origin: germline.
Comment: In summary, the available evidence is currently insufficient to determine the role of this variant in disease. Therefore, it has been classified as a Variant of Uncertain Significance. Advanced modeling of protein sequence and biophysical properties (such as structural, functional, and spatial information, amino acid conservation, physicochemical variation, residue mobility, and thermodynamic stability) performed at Invitae indicates that this missense variant is not expected to disrupt CSF1R protein function. This sequence change replaces asparagine, which is neutral and polar, with serine, which is neutral and polar, at codon 489 of the CSF1R protein (p.Asn489Ser). This variant is not present in population databases (gnomAD no frequency). This variant has not been reported in the literature in individuals affected with CSF1R-related conditions.